The following is an entry in ClinVar:

ClinVar aggregate classification (germline): Uncertain significance (1 of 4 stars; one submission).

Allele frequency attached by ClinVar (database versions not stated): gnomAD exomes below 0.00001.
gnomAD v4.1: 6 of 1,598,142 alleles (0.00038%); highest among the groups gnomAD compares: South Asian, 0.0023%; no homozygotes.

Submission:

Ambry Genetics
Classification: Uncertain significance. Last evaluated: 2021-09-20. Review status: criteria provided, single submitter. Criteria: Ambry Variant Classification Scheme 2023. Collection method: clinical testing. Allele origin: germline.
Comment: The p.L583V variant (also known as c.1747C>G), located in coding exon 16 of the PRKDC gene, results from a C to G substitution at nucleotide position 1747. The leucine at codon 583 is replaced by valine, an amino acid with highly similar properties. This amino acid position is conserved. In addition, this alteration is predicted to be tolerated by in silico analysis. Since supporting evidence is limited at this time, the clinical significance of this alteration remains unclear.

NM_006904.7(PRKDC):c.1747C>G (p.Leu583Val)

Gene: PRKDC (protein kinase, DNA-activated, catalytic subunit; minus strand). Cytogenetic location: 8q11.21.
Variant type: single nucleotide variant.
Coding change: c.1747C>G on transcript NM_006904.7 (MANE Select); coding-DNA position 1747, C replaced by G.
Protein change: p.Leu583Val; replaces leucine 583 with valine.
Molecular consequence: missense variant.
Genome position (GRCh38, 1-based): chr8:47,933,049, G>C on the plus strand (C>G on the coding strand, the complement: PRKDC is on the minus strand). VCF-style: chr8-47933049-G-C. GRCh37 (hg19) VCF-style: chr8-48845609-G-C.
Other names: c.1747C>G, p.Leu583Val (NM_001081640.2); short protein forms L583V.
Identifiers: ClinVar variation 1779320 (VCV001779320.2), dbSNP rs921811356, ClinGen allele CA176165521.